The following is an entry in ClinVar:

NM_007294.4(BRCA1):c.2776_2777del (p.Thr926fs)

Gene: BRCA1 (BRCA1 DNA repair associated; minus strand). Cytogenetic location: 17q21.31.
Variant type: Deletion.
Coding change: c.2776_2777del on transcript NM_007294.4 (MANE Select); coding-DNA positions 2776 to 2777, 2 bases deleted (AC; older notation c.2776_2777delAC).
Protein change: p.Thr926fs; shifts the reading frame from threonine 926.
Molecular consequence: frameshift variant. On other transcripts: intron variant (137).
Genome position (GRCh38, 1-based): chr17:43,092,754-43,092,755, GT deleted on the plus strand (AC on the coding strand, the reverse complement: BRCA1 is on the minus strand); deleting any 2 consecutive bases within chr17:43,092,754-43,092,756 gives the same sequence; the c. name uses the placement nearest the transcript's 3' end. VCF-style (leftmost placement, unchanged base first): chr17-43092753-AGT-A. GRCh37 (hg19) VCF-style: chr17-41244770-AGT-A.
Other names: 2895_2896delAC; c.2563_2564del, p.Thr855fs (NM_001407571.1, NM_001407895.1, NM_001407896.1 and 9 more transcripts); c.2776_2777del, p.Thr926fs (NM_001407581.1, NM_001407582.1, NM_001407583.1 and 30 more transcripts); c.2773_2774del, p.Thr925fs (NM_001407587.1, NM_001407590.1, NM_001407591.1 and 22 more transcripts); c.2698_2699del, p.Thr900fs (NM_001407653.1, NM_001407654.1, NM_001407655.1 and 4 more transcripts); c.2695_2696del, p.Thr899fs (NM_001407659.1, NM_001407660.1, NM_001407661.1 and 1 more transcripts); c.2650_2651del, p.Thr884fs (NM_001407670.1, NM_001407671.1, NM_001407672.1 and 11 more transcripts); c.2653_2654del, p.Thr885fs (NM_001407674.1, NM_001407675.1, NM_001407676.1 and 19 more transcripts); and 44 more; short protein forms T879fs, T926fs, T814fs, T855fs, T885fs, T630fs, T758fs, T837fs.
Identifiers: ClinVar variation 266301 (VCV000266301.7), dbSNP rs886040070, ClinGen allele CA10589814.

ClinVar aggregate classification (germline): Pathogenic. Review status: reviewed by expert panel (3 of 4 stars). 3 submissions from 3 submitters: Pathogenic (1). 2 of the submissions do not count toward it. Last evaluated 2016-10-18.

Conditions:
Breast-ovarian cancer, familial, susceptibility to, 1 (BROVCA1). Also called: BRCA1 Hereditary Breast and Ovarian Cancer; OVARIAN CANCER, SUSCEPTIBILITY TO. Identifiers: Orphanet 145, MedGen C2676676, MONDO:0011450, OMIM 604370. Disease mechanism: loss of function.
Hereditary cancer-predisposing syndrome. Also called: Hereditary Cancer Syndrome; Neoplastic Syndromes, Hereditary; Hereditary neoplastic syndrome; Tumor predisposition. Identifiers: Orphanet 140162, MedGen C0027672, MeSH D009386, MONDO:0015356.

Submissions (3):

Evidence-based Network for the Interpretation of Germline Mutant Alleles (ENIGMA)
Classification: Pathogenic for Breast-ovarian cancer, familial, susceptibility to, 1. Last evaluated: 2016-10-18. Review status: reviewed by expert panel. Criteria: ENIGMA BRCA1/2 Classification Criteria (2015). Collection method: curation. Allele origin: germline.
Comment: Variant allele predicted to encode a truncated non-functional protein.

Ambry Genetics
Classification: Pathogenic for Hereditary cancer-predisposing syndrome. Last evaluated: 2025-09-08. Review status: criteria provided, single submitter. Criteria: Ambry Variant Classification Scheme 2023. Collection method: clinical testing. Allele origin: germline. Not counted in ClinVar's aggregate classification.
Comment: The c.2776_2777delAC pathogenic mutation, located in coding exon 9 of the BRCA1 gene, results from a deletion of two nucleotides at nucleotide positions 2776 to 2777, causing a translational frameshift with a predicted alternate stop codon (p.T926Cfs*11). This variant is considered to be rare based on population cohorts in the Genome Aggregation Database (gnomAD). This alteration is expected to result in loss of function by premature protein truncation or nonsense-mediated mRNA decay. As such, this alteration is interpreted as a disease-causing mutation.

Consortium of Investigators of Modifiers of BRCA1/2 (CIMBA), c/o University of Cambridge
Classification: Pathogenic for Breast-ovarian cancer, familial, susceptibility to, 1. Last evaluated: 2015-10-02. Review status: criteria provided, single submitter. Criteria: CIMBA Mutation Classification guidelines May 2016. Collection method: clinical testing. Allele origin: germline. Not counted in ClinVar's aggregate classification.